The following is an entry in ClinVar:

NM_000632.4(ITGAM):c.2682A>C (p.Lys894Asn)

Gene: ITGAM (integrin subunit alpha M; plus strand). Cytogenetic location: 16p11.2.
Variant type: single nucleotide variant.
Coding change: c.2682A>C on transcript NM_000632.4 (MANE Select); coding-DNA position 2682, A replaced by C.
Protein change: p.Lys894Asn; replaces lysine 894 with asparagine.
Molecular consequence: missense variant.
Genome position (GRCh38, 1-based): chr16:31,326,909, A>C. VCF-style: chr16-31326909-A-C. GRCh37 (hg19) VCF-style: chr16-31338230-A-C.
Other names: c.2685A>C, p.Lys895Asn (NM_001145808.2); short protein forms K895N, K894N.
Identifiers: ClinVar variation 2091764 (VCV002091764.4), dbSNP rs2544500408, ClinGen allele CA395695448.

ClinVar aggregate classification (germline): Uncertain significance (1 of 4 stars; one submission).

gnomAD v4.1: 1 of 1,613,550 alleles (0.000062%); highest among the groups gnomAD compares: African/African-American, 0.0013%; no homozygotes.

Submission:

Labcorp Genetics (formerly Invitae), Labcorp
Classification: Uncertain significance. Last evaluated: 2022-02-02. Review status: criteria provided, single submitter. Criteria: Invitae Variant Classification Sherloc (09022015). Collection method: clinical testing. Allele origin: germline.
Comment: In summary, the available evidence is currently insufficient to determine the role of this variant in disease. Therefore, it has been classified as a Variant of Uncertain Significance. Algorithms developed to predict the effect of missense changes on protein structure and function (SIFT, PolyPhen-2, Align-GVGD) all suggest that this variant is likely to be disruptive. This variant has not been reported in the literature in individuals affected with ITGAM-related conditions. This variant is not present in population databases (gnomAD no frequency). This sequence change replaces lysine, which is basic and polar, with asparagine, which is neutral and polar, at codon 894 of the ITGAM protein (p.Lys894Asn).